The following is an entry in ClinVar:

ClinVar aggregate classification (germline): Uncertain significance. Review status: criteria provided, multiple submitters, no conflicts (2 of 4 stars). 2 submissions from 2 submitters: Uncertain significance (2). Last evaluated 2025-12-17.

Conditions:
Inborn genetic diseases. Identifiers: MedGen C0950123, MeSH D030342.

Submissions (2):

Ambry Genetics
Classification: Uncertain significance for Inborn genetic diseases. Last evaluated: 2025-12-17. Review status: criteria provided, single submitter. Criteria: Ambry Variant Classification Scheme 2023. Collection method: clinical testing. Allele origin: germline.
Comment: The p.G569E variant (also known as c.1706G>A), located in coding exon 16 of the DDX41 gene, results from a G to A substitution at nucleotide position 1706. The glycine at codon 569 is replaced by glutamic acid, an amino acid with similar properties. This amino acid position is well conserved in available vertebrate species. In addition, this alteration is predicted to be tolerated by in silico analysis. Based on the available evidence, the clinical significance of this variant remains unclear.

Labcorp Genetics (formerly Invitae), Labcorp
Classification: Uncertain significance. Last evaluated: 2024-08-21. Review status: criteria provided, single submitter. Criteria: Invitae Variant Classification Sherloc (09022015). Collection method: clinical testing. Allele origin: germline.
Comment: This sequence change replaces glycine, which is neutral and non-polar, with glutamic acid, which is acidic and polar, at codon 569 of the DDX41 protein (p.Gly569Glu). This variant is not present in population databases (gnomAD no frequency). This variant has not been reported in the literature in individuals affected with DDX41-related conditions. An algorithm developed to predict the effect of missense changes on protein structure and function (PolyPhen-2) suggests that this variant is likely to be tolerated. In summary, the available evidence is currently insufficient to determine the role of this variant in disease. Therefore, it has been classified as a Variant of Uncertain Significance.

NM_016222.4(DDX41):c.1706G>A (p.Gly569Glu)

Gene: DDX41 (DEAD-box helicase 41; minus strand). Cytogenetic location: 5q35.3.
Variant type: single nucleotide variant.
Coding change: c.1706G>A on transcript NM_016222.4 (MANE Select); coding-DNA position 1706, G replaced by A.
Protein change: p.Gly569Glu; replaces glycine 569 with glutamic acid.
Molecular consequence: missense variant.
Genome position (GRCh38, 1-based): chr5:177,512,122, C>T on the plus strand (G>A on the coding strand, the complement: DDX41 is on the minus strand). VCF-style: chr5-177512122-C-T. GRCh37 (hg19) VCF-style: chr5-176939123-C-T.
Other names: c.1706G>A (NM_016222.2); c.1328G>A, p.Gly443Glu (NM_001321732.2, NM_001321830.2); short protein forms G569E, G443E.
Identifiers: ClinVar variation 3686465 (VCV003686465.3).
Genomic context (GRCh38, chr5:177,512,122, plus strand): 5'-GGCTGGGGACTCGGGGATCCCGCTCTGCAGTCACCTCCAATGTCCAGCATGGACTCATCC[C>T]CGCAATGCAGCACCTGCAGCACGGGCGGCACCTTCTGCTTGGCTTCTAGCAGCAGCGCTT-3'
Protein context (NP_057306.2, residues 559-579): VPPVLQVLHC[Gly569Glu]DESMLDIGGE